The following is an entry in ClinVar:

NM_018406.7(MUC4):c.12444C>T (p.Thr4148=)

Genes: MUC4 (mucin 4, cell surface associated), LOC126806930 (BRD4-independent group 4 enhancer GRCh37_chr3:195505212-195506411). Cytogenetic location: 3q29.
Variant type: single nucleotide variant.
Coding change: c.12444C>T on transcript NM_018406.7 (MANE Select); coding-DNA position 12444, C replaced by T.
Protein change: p.Thr4148=; no amino-acid change (threonine 4148 retained).
Molecular consequence: synonymous variant. On other transcripts: genic upstream transcript variant (2).
Genome position (GRCh38, 1-based): chr3:195,779,136, G>A on the plus strand (C>T on the coding strand, the complement: MUC4 is on the minus strand). VCF-style: chr3-195779136-G-A. GRCh37 (hg19) VCF-style: chr3-195506007-G-A.
Other names: c.17886C>T, p.Thr5962= (NM_001322468.1); c.83-4831C>T (NM_138297.5); c.83-681C>T (NM_004532.6).
Identifiers: ClinVar variation 2654383 (VCV002654383.24), dbSNP rs200261480, ClinGen allele CA2768801.

ClinVar aggregate classification (germline): Likely benign (1 of 4 stars; one submission).

Allele frequency attached by ClinVar (database versions not stated): gnomAD 0.00074; ExAC 0.00362.

Submission:

CeGaT Center for Human Genetics Tuebingen
Classification: Likely benign. Last evaluated: 2023-08-01. Review status: criteria provided, single submitter. Criteria: CeGaT Center For Human Genetics Tuebingen Variant Classification Criteria Version 2. Collection method: clinical testing. Allele origin: germline. Affected: yes. Observed: 1 variant allele.
Comment: MUC4: BP4, BS2